The following is an entry in ClinVar:

ClinVar aggregate classification (germline): Uncertain significance. Review status: criteria provided, multiple submitters, no conflicts (2 of 4 stars). 2 submissions from 2 submitters: Uncertain significance (2). Last evaluated 2026-02-01.

Conditions:
Inborn genetic diseases. Identifiers: MedGen C0950123, MeSH D030342.

Allele frequency attached by ClinVar (database versions not stated): TOPMed below 0.00001.

Submissions (2):

CeGaT Center for Human Genetics Tuebingen
Classification: Uncertain significance. Last evaluated: 2026-02-01. Review status: criteria provided, single submitter. Criteria: CeGaT Center For Human Genetics Tuebingen Variant Classification Criteria Version 2. Collection method: clinical testing. Allele origin: germline. Affected: yes. Observed: 1 variant allele.
Comment: F7: PM2, BP4

Ambry Genetics
Classification: Uncertain significance for Inborn genetic diseases. Last evaluated: 2024-01-02. Review status: criteria provided, single submitter. Criteria: Ambry Variant Classification Scheme 2023. Collection method: clinical testing. Allele origin: germline.

NM_019616.4(F7):c.440A>G (p.Lys147Arg)

Gene: F7 (coagulation factor VII; plus strand). Cytogenetic location: 13q34.
Variant type: single nucleotide variant.
Coding change: c.440A>G on transcript NM_019616.4 (MANE Select); coding-DNA position 440, A replaced by G.
Protein change: p.Lys147Arg; replaces lysine 147 with arginine.
Molecular consequence: missense variant. On other transcripts: non-coding transcript variant (1).
Genome position (GRCh38, 1-based): chr13:113,115,735, A>G. VCF-style: chr13-113115735-A-G. GRCh37 (hg19) VCF-style: chr13-113770049-A-G.
Other names: c.506A>G, p.Lys169Arg (NM_000131.5); c.254A>G, p.Lys85Arg (NM_001267554.2); short protein forms K85R, K169R, K147R.
Identifiers: ClinVar variation 3091484 (VCV003091484.5), dbSNP rs2036182249, ClinGen allele CA388784223.